The following is an entry in ClinVar:

ClinVar aggregate classification (germline): Likely benign (0 of 4 stars; one submission).

Conditions:
INTS1-related disorder. Also called: INTS1-related condition.

Allele frequency attached by ClinVar (database versions not stated): gnomAD 0.00003; ExAC 0.00004; TOPMed 0.00006; ESP Exome Variant Server 0.00008.

Submission:

PreventionGenetics, part of Exact Sciences
Classification: Likely benign for INTS1-related condition. Last evaluated: 2019-04-04. Review status: no assertion criteria provided. Collection method: clinical testing. Allele origin: germline.
Comment: This variant is classified as likely benign based on ACMG/AMP sequence variant interpretation guidelines (Richards et al. 2015 PMID: 25741868, with internal and published modifications).

NM_001080453.3(INTS1):c.5943C>T (p.His1981=)

Gene: INTS1 (integrator complex subunit 1; minus strand). Cytogenetic location: 7p22.3.
Variant type: single nucleotide variant.
Coding change: c.5943C>T on transcript NM_001080453.3 (MANE Select); coding-DNA position 5943, C replaced by T.
Protein change: p.His1981=; no amino-acid change (histidine 1981 retained).
Molecular consequence: synonymous variant.
Genome position (GRCh38, 1-based): chr7:1,473,580, G>A on the plus strand (C>T on the coding strand, the complement: INTS1 is on the minus strand). VCF-style: chr7-1473580-G-A. GRCh37 (hg19) VCF-style: chr7-1513216-G-A.
Other names: c.2460C>T, p.His820= (NM_015674.1).
Identifiers: ClinVar variation 3058636 (VCV003058636.2), dbSNP rs377759797, ClinGen allele CA4118206.